The following is an entry in ClinVar:

ClinVar aggregate classification (germline): Uncertain significance (1 of 4 stars; one submission).

Conditions:
Familial cancer of breast. Also called: Hereditary breast cancer; BREAST CANCER, FAMILIAL; hereditary breast carcinoma. Identifiers: Orphanet 227535, MedGen C0346153, MONDO:0016419, OMIM 114480. Disease mechanism: loss of function.

Submission:

Labcorp Genetics (formerly Invitae), Labcorp
Classification: Uncertain significance for Familial cancer of breast. Last evaluated: 2015-05-28. Review status: criteria provided, single submitter. Criteria: Invitae Variant Classification Sherloc (09022015). Collection method: clinical testing. Allele origin: germline.
Comment: Algorithms developed to predict the effect of missense changes on protein structure and function (SIFT, PolyPhen-2, Align-GVGD) all suggest that this variant is likely to be tolerated, but these predictions have not been confirmed by published functional studies. This variant has not been published in the literature and is not present in population databases. In summary, this is a novel missense change that is not predicted to affect protein function or cause disease. However the evidence is insufficient at this time to prove that conclusively. It has been classified as a Variant of Uncertain Significance. This sequence change replaces leucine with methionine at codon 171 of the PALB2 protein (p.Leu171Met). The leucine residue is moderately conserved and there is a small physicochemical difference between leucine and methionine.

NM_024675.4(PALB2):c.511T>A (p.Leu171Met)

Gene: PALB2 (partner and localizer of BRCA2; minus strand). Cytogenetic location: 16p12.2.
Variant type: single nucleotide variant.
Coding change: c.511T>A on transcript NM_024675.4 (MANE Select); coding-DNA position 511, T replaced by A.
Protein change: p.Leu171Met; replaces leucine 171 with methionine.
Molecular consequence: missense variant.
Genome position (GRCh38, 1-based): chr16:23,636,035, A>T on the plus strand (T>A on the coding strand, the complement: PALB2 is on the minus strand). VCF-style: chr16-23636035-A-T. GRCh37 (hg19) VCF-style: chr16-23647356-A-T.
Other names: short protein forms L171M.
Identifiers: ClinVar variation 216759 (VCV000216759.8), dbSNP rs863224790, ClinGen allele CA336321.